The following is an entry in ClinVar:

NM_053056.3(CCND1):c.827AGG[4] (p.Glu280del)

Gene: CCND1 (cyclin D1; plus strand). Cytogenetic location: 11q13.3.
Variant type: Microsatellite.
Coding change: c.827AGG[4] on transcript NM_053056.3 (MANE Select); four copies in a row of the 3-base unit AGG starting at c.827; the reference has five copies in a row; one copy, 3 bases deleted.
Protein change: p.Glu280del; deletes glutamic acid 280.
Molecular consequence: inframe deletion. On other transcripts: inframe indel (1).
Genome position (GRCh38, 1-based): chr11:69,651,233-69,651,235, AGG deleted; deleting any 3 consecutive bases within chr11:69,651,220-69,651,235 gives the same sequence; the position shown is the placement nearest the transcript's 3' end. VCF-style (leftmost placement, unchanged base first): chr11-69651219-AGAG-A. GRCh37 (hg19) VCF-style: chr11-69465987-AGAG-A.
Other names: c.839_841delAGG (NM_053056.2); short protein forms E280del.
Identifiers: ClinVar variation 3038710 (VCV003038710.2), dbSNP rs753296543, ClinGen allele CA6156319.

ClinVar aggregate classification (germline): Likely benign (0 of 4 stars; one submission).

Conditions:
CCND1-related disorder. Also called: CCND1-related condition.

Submission:

PreventionGenetics, part of Exact Sciences
Classification: Likely benign for CCND1-related condition. Last evaluated: 2020-09-15. Review status: no assertion criteria provided. Collection method: clinical testing. Allele origin: germline.
Comment: This variant is classified as likely benign based on ACMG/AMP sequence variant interpretation guidelines (Richards et al. 2015 PMID: 25741868, with internal and published modifications).